The following is an entry in ClinVar:

NM_000088.4(COL1A1):c.898C>A (p.Gln300Lys)

Genes: COL1A1 (collagen type I alpha 1 chain; minus strand), LOC126862586 (CDK7 strongly-dependent group 2 enhancer GRCh37_chr17:48273702-48274901; plus strand). Cytogenetic location: 17q21.33.
Variant type: single nucleotide variant.
Coding change: c.898C>A on transcript NM_000088.4 (MANE Select); coding-DNA position 898, C replaced by A.
Protein change: p.Gln300Lys; replaces glutamine 300 with lysine.
Molecular consequence: missense variant.
Genome position (GRCh38, 1-based): chr17:50,196,489, G>T on the plus strand (C>A on the coding strand, the complement: COL1A1 is on the minus strand). VCF-style: chr17-50196489-G-T. GRCh37 (hg19) VCF-style: chr17-48273850-G-T.
Other names: short protein forms Q300K.
Identifiers: ClinVar variation 3714220 (VCV003714220.2).

ClinVar aggregate classification (germline): Uncertain significance (1 of 4 stars; one submission).

Conditions:
Osteogenesis imperfecta type I (OI1). Also called: OI, TYPE I; OSTEOGENESIS IMPERFECTA TARDA; OSTEOGENESIS IMPERFECTA WITH BLUE SCLERAE; Osteogenesis imperfecta type 1; Lobstein's Disease; Lobstein disease. Identifiers: Orphanet 216796, Orphanet 666, MedGen C0023931, MONDO:0008146, OMIM 166200. Disease mechanism: loss of function.

Submission:

Labcorp Genetics (formerly Invitae), Labcorp
Classification: Uncertain significance for Osteogenesis imperfecta type I. Last evaluated: 2024-11-06. Review status: criteria provided, single submitter. Criteria: Invitae Variant Classification Sherloc (09022015). Collection method: clinical testing. Allele origin: germline.
Comment: This sequence change replaces glutamine, which is neutral and polar, with lysine, which is basic and polar, at codon 300 of the COL1A1 protein (p.Gln300Lys). This variant is not present in population databases (gnomAD no frequency). This variant has not been reported in the literature in individuals affected with COL1A1-related conditions. Invitae Evidence Modeling of protein sequence and biophysical properties (such as structural, functional, and spatial information, amino acid conservation, physicochemical variation, residue mobility, and thermodynamic stability) indicates that this missense variant is not expected to disrupt COL1A1 protein function with a negative predictive value of 95%. In summary, the available evidence is currently insufficient to determine the role of this variant in disease. Therefore, it has been classified as a Variant of Uncertain Significance.